The following is an entry in ClinVar:

NM_000059.4(BRCA2):c.2194G>C (p.Glu732Gln)

Gene: BRCA2 (BRCA2 DNA repair associated; plus strand). Cytogenetic location: 13q13.1.
Variant type: single nucleotide variant.
Coding change: c.2194G>C on transcript NM_000059.4 (MANE Select); coding-DNA position 2194, G replaced by C.
Protein change: p.Glu732Gln; replaces glutamic acid 732 with glutamine.
Molecular consequence: missense variant.
Genome position (GRCh38, 1-based): chr13:32,336,549, G>C. VCF-style: chr13-32336549-G-C. GRCh37 (hg19) VCF-style: chr13-32910686-G-C.
Other names: short protein forms E732Q.
Identifiers: ClinVar variation 925658 (VCV000925658.10), dbSNP rs1244303575, ClinGen allele CA387770462.

ClinVar aggregate classification (germline): Conflicting classifications of pathogenicity. Review status: criteria provided, conflicting classifications (1 of 4 stars). 5 submissions from 5 submitters: Uncertain significance (4); Likely benign (1). Last evaluated 2023-03-23.

Conditions:
Hereditary cancer-predisposing syndrome. Also called: Hereditary Cancer Syndrome; Hereditary neoplastic syndrome; Neoplastic Syndromes, Hereditary; Tumor predisposition. Identifiers: Orphanet 140162, MedGen C0027672, MeSH D009386, MONDO:0015356.
Hereditary breast ovarian cancer syndrome. Also called: BRCA1- and BRCA2-Associated Hereditary Breast and Ovarian Cancer; Hereditary breast and ovarian cancer syndrome; Hereditary breast and ovarian cancer syndrome (HBOC); Breast and ovarian cancer; Hereditary breast and ovarian cancer; Hereditary breast and/or ovarian cancer syndrome. Identifiers: Orphanet 145, MedGen C0677776, MeSH D061325, MONDO:0003582. Disease mechanism: loss of function.
Breast-ovarian cancer, familial, susceptibility to, 2 (BROVCA2). Also called: BRCA2 Hereditary Breast and Ovarian Cancer. Identifiers: Orphanet 145, MedGen C2675520, MONDO:0012933, OMIM 612555. Disease mechanism: loss of function.

Allele frequency attached by ClinVar (database versions not stated): gnomAD exomes below 0.00001; TOPMed below 0.00001.
gnomAD v4.1: 1 of 1,614,056 alleles (0.000062%); highest among the groups gnomAD compares: South Asian, 0.0011%; no homozygotes.

Submissions (5):

University of Washington Department of Laboratory Medicine, University of Washington
Classification: Likely benign for Hereditary cancer-predisposing syndrome. Last evaluated: 2023-03-23. Review status: criteria provided, single submitter. Criteria: Dines et al. (Genet Med. 2020). Collection method: curation. Allele origin: germline.
Comment: Missense variant in a coldspot region where missense variants are very unlikely to be pathogenic (PMID:31911673).

BRCA2 exon 11 coldspot. Reclassification based on statistical prior probability.

Labcorp Genetics (formerly Invitae), Labcorp
Classification: Uncertain significance for Hereditary breast ovarian cancer syndrome. Last evaluated: 2022-11-22. Review status: criteria provided, single submitter. Criteria: Invitae Variant Classification Sherloc (09022015). Collection method: clinical testing. Allele origin: germline.
Comment: In summary, the available evidence is currently insufficient to determine the role of this variant in disease. Therefore, it has been classified as a Variant of Uncertain Significance. Advanced modeling of protein sequence and biophysical properties (such as structural, functional, and spatial information, amino acid conservation, physicochemical variation, residue mobility, and thermodynamic stability) performed at Invitae indicates that this missense variant is not expected to disrupt BRCA2 protein function. ClinVar contains an entry for this variant (Variation ID: 925658). This variant has not been reported in the literature in individuals affected with BRCA2-related conditions. This variant is present in population databases (no rsID available, gnomAD 0.003%). This sequence change replaces glutamic acid, which is acidic and polar, with glutamine, which is neutral and polar, at codon 732 of the BRCA2 protein (p.Glu732Gln).

Ambry Genetics
Classification: Uncertain significance for Hereditary cancer-predisposing syndrome. Last evaluated: 2021-03-01. Review status: criteria provided, single submitter. Criteria: Ambry Variant Classification Scheme 2023. Collection method: clinical testing. Allele origin: germline.
Comment: The p.E732Q variant (also known as c.2194G>C), located in coding exon 10 of the BRCA2 gene, results from a G to C substitution at nucleotide position 2194. The glutamic acid at codon 732 is replaced by glutamine, an amino acid with highly similar properties. This amino acid position is poorly conserved in available vertebrate species. In addition, this alteration is predicted to be tolerated by in silico analysis. Since supporting evidence is limited at this time, the clinical significance of this alteration remains unclear.

Color Diagnostics, LLC DBA Color Health
Classification: Uncertain significance for Hereditary cancer-predisposing syndrome. Last evaluated: 2019-03-22. Review status: criteria provided, single submitter. Criteria: ACMG Guidelines, 2015. Collection method: clinical testing. Allele origin: germline.

Molecular Endocrinology Laboratory, Christian Medical College
Classification: Uncertain significance for Breast-ovarian cancer, familial, susceptibility to, 2. Review status: criteria provided, single submitter. Criteria: ACMG Guidelines, 2015. Collection method: clinical testing. Allele origin: germline. Affected: yes.